The following is an entry in ClinVar:

NM_001350451.2(RBFOX3):c.73C>T (p.Pro25Ser)

Gene: RBFOX3 (RNA binding fox-1 homolog 3; minus strand). Cytogenetic location: 17q25.3.
Variant type: single nucleotide variant.
Coding change: c.73C>T on transcript NM_001350451.2 (MANE Select); coding-DNA position 73, C replaced by T.
Protein change: p.Pro25Ser; replaces proline 25 with serine.
Molecular consequence: missense variant.
Genome position (GRCh38, 1-based): chr17:79,115,643, G>A on the plus strand (C>T on the coding strand, the complement: RBFOX3 is on the minus strand). VCF-style: chr17-79115643-G-A. GRCh37 (hg19) VCF-style: chr17-77111725-G-A.
Other names: c.73C>T, p.Pro25Ser (NM_001082575.3, NM_001350453.2, NM_001385804.1 and 43 more transcripts); short protein forms P25S.
Identifiers: ClinVar variation 1441255 (VCV001441255.6), dbSNP rs2146999516, ClinGen allele CA401318151.

ClinVar aggregate classification (germline): Uncertain significance (1 of 4 stars; one submission).

Conditions:
Idiopathic generalized epilepsy. Also called: Generalised epilepsy; EIG. Identifiers: MedGen C0270850, MONDO:0005579, OMIM 600669.

gnomAD v4.1: 2 of 1,437,522 alleles (0.00014%); highest among the groups gnomAD compares: Non-Finnish European, 0.00018%; no homozygotes.

Submission:

Labcorp Genetics (formerly Invitae), Labcorp
Classification: Uncertain significance for Idiopathic generalized epilepsy. Last evaluated: 2023-08-30. Review status: criteria provided, single submitter. Criteria: Invitae Variant Classification Sherloc (09022015). Collection method: clinical testing. Allele origin: germline.
Comment: This variant is not present in population databases (gnomAD no frequency). This variant has not been reported in the literature in individuals affected with RBFOX3-related conditions. ClinVar contains an entry for this variant (Variation ID: 1441255). Advanced modeling of protein sequence and biophysical properties (such as structural, functional, and spatial information, amino acid conservation, physicochemical variation, residue mobility, and thermodynamic stability) performed at Invitae indicates that this missense variant is not expected to disrupt RBFOX3 protein function. In summary, the available evidence is currently insufficient to determine the role of this variant in disease. Therefore, it has been classified as a Variant of Uncertain Significance. This sequence change replaces proline, which is neutral and non-polar, with serine, which is neutral and polar, at codon 25 of the RBFOX3 protein (p.Pro25Ser).